The following is an entry in ClinVar:

NM_000039.3(APOA1):c.641C>T (p.Ala214Val)

Gene: APOA1 (apolipoprotein A1; minus strand). Cytogenetic location: 11q23.3.
Variant type: single nucleotide variant.
Coding change: c.641C>T on transcript NM_000039.3 (MANE Select); coding-DNA position 641, C replaced by T.
Protein change: p.Ala214Val; replaces alanine 214 with valine.
Molecular consequence: missense variant.
Genome position (GRCh38, 1-based): chr11:116,835,971, G>A on the plus strand (C>T on the coding strand, the complement: APOA1 is on the minus strand). VCF-style: chr11-116835971-G-A. GRCh37 (hg19) VCF-style: chr11-116706687-G-A.
Other names: c.641C>T, p.Ala214Val (NM_001318017.2, NM_001318018.2); c.314C>T, p.Ala105Val (NM_001318021.2); short protein forms A105V, A214V.
Identifiers: ClinVar variation 2008488 (VCV002008488.4), dbSNP rs1941532104, ClinGen allele CA382714779.
Genomic context (GRCh38, chr11:116,835,971, plus strand): 5'-GCGGGCTTGGCCTTCTCGCTGAGCGTGCTCAGATGCTCGGTGGCCTTGGCGTGGTACTCG[G>A]CCAGTCTGGCGCCGCCGTTCTCCTTGAGAGCCTCAAGGCGCGCGGCCAAGCGCTGGCGCA-3'
Protein context (NP_000030.1, residues 204-224): ALKENGGARL[Ala214Val]EYHAKATEHL

ClinVar aggregate classification (germline): Uncertain significance (1 of 4 stars; one submission).

Allele frequency attached by ClinVar (database versions not stated): gnomAD exomes below 0.00001.

Submission:

Labcorp Genetics (formerly Invitae), Labcorp
Classification: Uncertain significance. Last evaluated: 2022-06-19. Review status: criteria provided, single submitter. Criteria: Invitae Variant Classification Sherloc (09022015). Collection method: clinical testing. Allele origin: germline.
Comment: This sequence change replaces alanine, which is neutral and non-polar, with valine, which is neutral and non-polar, at codon 214 of the APOA1 protein (p.Ala214Val). This variant is not present in population databases (gnomAD no frequency). This variant has not been reported in the literature in individuals affected with APOA1-related conditions. Algorithms developed to predict the effect of missense changes on protein structure and function are either unavailable or do not agree on the potential impact of this missense change (SIFT: "Not Available"; PolyPhen-2: "Benign"; Align-GVGD: "Not Available"). In summary, the available evidence is currently insufficient to determine the role of this variant in disease. Therefore, it has been classified as a Variant of Uncertain Significance.